The following is an entry in ClinVar:

ClinVar aggregate classification (germline): Uncertain significance (1 of 4 stars; one submission).

Allele frequency attached by ClinVar (database versions not stated): gnomAD exomes below 0.00001.
gnomAD v4.1: 1 of 1,574,748 alleles (0.000064%); highest among the groups gnomAD compares: Non-Finnish European, 0.000086%; no homozygotes.

Submission:

Labcorp Genetics (formerly Invitae), Labcorp
Classification: Uncertain significance. Last evaluated: 2023-04-03. Review status: criteria provided, single submitter. Criteria: Invitae Variant Classification Sherloc (09022015). Collection method: clinical testing. Allele origin: germline.
Comment: This sequence change replaces histidine, which is basic and polar, with glutamine, which is neutral and polar, at codon 423 of the ARHGEF1 protein (p.His423Gln). This variant is not present in population databases (gnomAD no frequency). In summary, the available evidence is currently insufficient to determine the role of this variant in disease. Therefore, it has been classified as a Variant of Uncertain Significance. Algorithms developed to predict the effect of missense changes on protein structure and function output the following: SIFT: "Not Available"; PolyPhen-2: "Benign"; Align-GVGD: "Not Available". The glutamine amino acid residue is found in multiple mammalian species, which suggests that this missense change does not adversely affect protein function. This variant has not been reported in the literature in individuals affected with ARHGEF1-related conditions.

NM_004706.4(ARHGEF1):c.1224C>G (p.His408Gln)

Gene: ARHGEF1 (Rho guanine nucleotide exchange factor 1; plus strand). Cytogenetic location: 19q13.2.
Variant type: single nucleotide variant.
Coding change: c.1224C>G on transcript NM_004706.4 (MANE Select); coding-DNA position 1224, C replaced by G.
Protein change: p.His408Gln; replaces histidine 408 with glutamine.
Molecular consequence: missense variant. On other transcripts: non-coding transcript variant (2).
Genome position (GRCh38, 1-based): chr19:41,898,544, C>G. VCF-style: chr19-41898544-C-G. GRCh37 (hg19) VCF-style: chr19-42402693-C-G.
Other names: c.1392C>G, p.His464Gln (NM_001396000.1); c.1125C>G, p.His375Gln (NM_001396002.1, NM_001396004.1, NM_198977.2); c.1224C>G, p.His408Gln (NM_001396003.1, NM_001396006.1); c.1269C>G, p.His423Gln (NM_199002.2); short protein forms H375Q, H408Q, H464Q, H423Q.
Identifiers: ClinVar variation 2818578 (VCV002818578.3), dbSNP rs2074549792, ClinGen allele CA406058483.